The following is an entry in ClinVar:

NM_006922.4(SCN3A):c.2082G>T (p.Glu694Asp)

Gene: SCN3A (sodium voltage-gated channel alpha subunit 3; minus strand). Cytogenetic location: 2q24.3.
Variant type: single nucleotide variant.
Coding change: c.2082G>T on transcript NM_006922.4 (MANE Select); coding-DNA position 2082, G replaced by T.
Protein change: p.Glu694Asp; replaces glutamic acid 694 with aspartic acid.
Molecular consequence: missense variant.
Genome position (GRCh38, 1-based): chr2:165,139,546, C>A on the plus strand (G>T on the coding strand, the complement: SCN3A is on the minus strand). VCF-style: chr2-165139546-C-A. GRCh37 (hg19) VCF-style: chr2-165996056-C-A.
Other names: c.2082G>T (NM_006922.3); c.1935G>T, p.Glu645Asp (NM_001081676.2, NM_001081677.2); short protein forms E645D, E694D.
Identifiers: ClinVar variation 1013942 (VCV001013942.9), dbSNP rs1687871489, ClinGen allele CA349045695.

ClinVar aggregate classification (germline): Uncertain significance. Review status: criteria provided, multiple submitters, no conflicts (2 of 4 stars). 2 submissions from 2 submitters: Uncertain significance (2). Last evaluated 2026-03-19.

Allele frequency attached by ClinVar (database versions not stated): gnomAD exomes 0.00003.
gnomAD v4.1: 41 of 1,613,992 alleles (0.0025%); highest among the groups gnomAD compares: Non-Finnish European, 0.0035%; no homozygotes.

Submissions (2):

GeneDx
Classification: Uncertain significance. Last evaluated: 2026-03-19. Review status: criteria provided, single submitter. Criteria: GeneDx Variant Classification Process June 2021. Collection method: clinical testing. Allele origin: germline.
Comment: Not observed at significant frequency in large population cohorts (gnomAD); In silico analysis suggests that this missense variant does not alter protein structure/function; Has not been previously published as pathogenic or benign to our knowledge

Labcorp Genetics (formerly Invitae), Labcorp
Classification: Uncertain significance. Last evaluated: 2025-08-25. Review status: criteria provided, single submitter. Criteria: Invitae Variant Classification Sherloc (09022015). Collection method: clinical testing. Allele origin: germline.
Comment: This sequence change replaces glutamic acid, which is acidic and polar, with aspartic acid, which is acidic and polar, at codon 694 of the SCN3A protein (p.Glu694Asp). This variant is not present in population databases (gnomAD no frequency). This variant has not been reported in the literature in individuals affected with SCN3A-related conditions. ClinVar contains an entry for this variant (Variation ID: 1013942). Invitae Evidence Modeling of protein sequence and biophysical properties (such as structural, functional, and spatial information, amino acid conservation, physicochemical variation, residue mobility, and thermodynamic stability) indicates that this missense variant is not expected to disrupt SCN3A protein function with a negative predictive value of 95%. In summary, the available evidence is currently insufficient to determine the role of this variant in disease. Therefore, it has been classified as a Variant of Uncertain Significance.